The following is an entry in ClinVar:

NM_025132.4(WDR19):c.2646-6T>C

Gene: WDR19 (WD repeat domain 19; plus strand). Cytogenetic location: 4p14.
Variant type: single nucleotide variant.
Coding change: c.2646-6T>C on transcript NM_025132.4 (MANE Select); 6 bases into the intron before coding-DNA position 2646, T replaced by C.
Molecular consequence: intron variant.
Genome position (GRCh38, 1-based): chr4:39,245,363, T>C. VCF-style: chr4-39245363-T-C. GRCh37 (hg19) VCF-style: chr4-39246983-T-C.
Other names: c.2166-6T>C (NM_001317924.2).
Identifiers: ClinVar variation 5006771 (VCV005006771.2).

ClinVar aggregate classification (germline): Uncertain significance (1 of 4 stars; one submission).

Conditions:
Senior-Loken syndrome 8 (SLSN8). Identifiers: Orphanet 3156, MedGen C4225376, MONDO:0014579, OMIM 616307.
Nephronophthisis 13 (NPHP13). Identifiers: Orphanet 655, MedGen C3280612, MONDO:0013718, OMIM 614377.
Spermatogenic failure 72 (SPGF72). Identifiers: MedGen C5676980, MONDO:0030809, OMIM 619867.
Cranioectodermal dysplasia 4 (CED4). Identifiers: Orphanet 1515, MedGen C3280616, MONDO:0013719, OMIM 614378.
Asphyxiating thoracic dystrophy 5 (SRTD5). Also called: SHORT-RIB THORACIC DYSPLASIA 5 WITHOUT POLYDACTYLY; SHORT-RIB THORACIC DYSPLASIA 5 WITH OR WITHOUT POLYDACTYLY. Identifiers: Orphanet 474, MedGen C3280598, MONDO:0013717, OMIM 614376.

Submission:

Juno Genomics, Hangzhou Juno Genomics, Inc
Classification: Uncertain significance for Spermatogenic failure 72; Cranioectodermal dysplasia 4; Nephronophthisis 13; Senior-Loken syndrome 8; Asphyxiating thoracic dystrophy 5. Review status: criteria provided, single submitter. Criteria: ACMG Guidelines, 2015. Collection method: clinical testing. Allele origin: germline.
Comment: Absent from controls (or at extremely low frequency if recessive) in Genome Aggregation Database.;Multiple lines of computational evidence support a deleterious effect on the gene or gene product.